The following is an entry in ClinVar:

NM_001253697.2(ERBIN):c.3496C>T (p.Arg1166Trp)

Gene: ERBIN (erbb2 interacting protein; plus strand). Cytogenetic location: 5q12.3.
Variant type: single nucleotide variant.
Coding change: c.3496C>T on transcript NM_001253697.2 (MANE Select); coding-DNA position 3496, C replaced by T.
Protein change: p.Arg1166Trp; replaces arginine 1166 with tryptophan.
Molecular consequence: missense variant.
Genome position (GRCh38, 1-based): chr5:66,054,814, C>T. VCF-style: chr5-66054814-C-T. GRCh37 (hg19) VCF-style: chr5-65350642-C-T.
Other names: c.3496C>T, p.Arg1166Trp (NM_001006600.3, NM_001253698.2, NM_001253699.2 and 1 more transcripts); c.3484C>T, p.Arg1162Trp (NM_001253701.2); short protein forms R1162W, R1166W.
Identifiers: ClinVar variation 1477717 (VCV001477717.8), dbSNP rs142376458, ClinGen allele CA119868877.

ClinVar aggregate classification (germline): Uncertain significance (1 of 4 stars; one submission).

Allele frequency attached by ClinVar (database versions not stated): gnomAD exomes below 0.00001 and 0.00001; gnomAD 0.00001; TOPMed 0.00001; ESP Exome Variant Server 0.00008.
gnomAD v4.1: 4 of 1,613,936 alleles (0.00025%); highest among the groups gnomAD compares: East Asian, 0.0045%; no homozygotes.

Submission:

Labcorp Genetics (formerly Invitae), Labcorp
Classification: Uncertain significance. Last evaluated: 2024-11-04. Review status: criteria provided, single submitter. Criteria: Invitae Variant Classification Sherloc (09022015). Collection method: clinical testing. Allele origin: germline.
Comment: This sequence change replaces arginine, which is basic and polar, with tryptophan, which is neutral and slightly polar, at codon 1166 of the ERBIN protein (p.Arg1166Trp). This variant is present in population databases (rs142376458, gnomAD 0.01%). This variant has not been reported in the literature in individuals affected with ERBIN-related conditions. ClinVar contains an entry for this variant (Variation ID: 1477717). An algorithm developed to predict the effect of missense changes on protein structure and function (PolyPhen-2) suggests that this variant is likely to be disruptive. In summary, the available evidence is currently insufficient to determine the role of this variant in disease. Therefore, it has been classified as a Variant of Uncertain Significance.